The following is an entry in ClinVar:

ClinVar aggregate classification (germline): Benign/Likely benign. Review status: criteria provided, multiple submitters, no conflicts (2 of 4 stars). 22 submissions from 15 submitters: Benign (17); Likely benign (3). 2 of the submissions do not count toward it. Last evaluated 2026-02-04.

Conditions:
Cardiovascular phenotype. Identifiers: MedGen CN230736.
Dilated cardiomyopathy 1G (CMD1G). Identifiers: Orphanet 154, MedGen C1858763, MONDO:0011400, OMIM 604145.
Autosomal recessive limb-girdle muscular dystrophy type 2J (LGMDR10). Also called: MUSCULAR DYSTROPHY, LIMB-GIRDLE, AUTOSOMAL RECESSIVE 10; Limb-girdle muscular dystrophy, type 2J. Identifiers: Orphanet 140922, MedGen C1837342, MONDO:0012127, OMIM 608807.
Early-onset myopathy with fatal cardiomyopathy (CMYO5). Also called: CONGENITAL MYOPATHY 5 WITH CARDIOMYOPATHY; Salih Myopathy. Identifiers: Orphanet 289377, MedGen C2673677, MONDO:0012714, OMIM 611705. Disease mechanism: loss of function.
Myopathy, myofibrillar, 9, with early respiratory failure (MFM9). Also called: Myopathy, distal, with early respiratory failure, autosomal dominant; Hereditary myopathy with early respiratory failure; MYOPATHY, PROXIMAL, WITH EARLY RESPIRATORY MUSCLE INVOLVEMENT; EDSTROM MYOPATHY. Identifiers: Orphanet 178464, Orphanet 34521, MedGen C1863599, MONDO:0011362, OMIM 603689.
Tibial muscular dystrophy (TMD). Also called: Udd Distal Myopathy – Tibial Muscular Dystrophy; Tibial muscular dystrophy, tardive; UDD MYOPATHY. Identifiers: Orphanet 609, MedGen C1838244, MONDO:0010870, OMIM 600334.

Allele frequency attached by ClinVar (database versions not stated): gnomAD exomes 0.02377 and 0.03170; gnomAD 0.03798 and 0.03742; TOPMed 0.04240; 1000 Genomes Project 30x 0.06480; ExAC 0.03121; ESP Exome Variant Server 0.03243; 1000 Genomes Project 0.06550.
gnomAD v4.1: 40,890 of 1,613,412 alleles (2.5%); highest among the groups gnomAD compares: East Asian, 16%; 1,143 homozygotes.

Submissions (22):

Labcorp Genetics (formerly Invitae), Labcorp
Classification: Benign for Dilated cardiomyopathy 1G; Autosomal recessive limb-girdle muscular dystrophy type 2J. Last evaluated: 2026-02-04. Review status: criteria provided, single submitter. Criteria: Invitae Variant Classification Sherloc (09022015). Collection method: clinical testing. Allele origin: germline.

Molecular Diagnostic Laboratory for Inherited Cardiovascular Disease, Montreal Heart Institute
Classification: Likely benign. Last evaluated: 2025-04-09. Review status: criteria provided, single submitter. Criteria: ACMG Guidelines, 2015. Collection method: clinical testing. Allele origin: germline. Affected: no.

Women's Health and Genetics/Laboratory Corporation of America, LabCorp
Classification: Likely benign. Last evaluated: 2024-03-11. Review status: criteria provided, single submitter. Criteria: LabCorp Variant Classification Summary - May 2015. Collection method: clinical testing. Allele origin: germline.

Genome-Nilou Lab
Classification: Benign for Autosomal recessive limb-girdle muscular dystrophy type 2J. Last evaluated: 2021-09-10. Review status: criteria provided, single submitter. Criteria: ACMG Guidelines, 2015. Collection method: clinical testing. Allele origin: germline. Affected: no.

Genome-Nilou Lab
Classification: Benign for Myopathy, myofibrillar, 9, with early respiratory failure. Last evaluated: 2021-09-10. Review status: criteria provided, single submitter. Criteria: ACMG Guidelines, 2015. Collection method: clinical testing. Allele origin: germline. Affected: no.

Genome-Nilou Lab
Classification: Benign for Early-onset myopathy with fatal cardiomyopathy. Last evaluated: 2021-09-10. Review status: criteria provided, single submitter. Criteria: ACMG Guidelines, 2015. Collection method: clinical testing. Allele origin: germline. Affected: no.

Genome-Nilou Lab
Classification: Benign for Tibial muscular dystrophy. Last evaluated: 2021-09-10. Review status: criteria provided, single submitter. Criteria: ACMG Guidelines, 2015. Collection method: clinical testing. Allele origin: germline. Affected: no.

Illumina Laboratory Services, Illumina
Classification: Benign for Dilated cardiomyopathy 1G. Last evaluated: 2018-01-13. Review status: criteria provided, single submitter. Criteria: ICSL Variant Classification Criteria 13 December 2019. Collection method: clinical testing. Allele origin: germline.
Comment: This variant was observed in the ICSL laboratory as part of a predisposition screen in an ostensibly healthy population. It had not been previously curated by ICSL or reported in the Human Gene Mutation Database (HGMD: prior to June 1st, 2018), and was therefore a candidate for classification through an automated scoring system. Utilizing variant allele frequency, disease prevalence and penetrance estimates, and inheritance mode, an automated score was calculated to assess if this variant is too frequent to cause the disease. Based on the score and internal cut-off values, a variant classified as benign is not then subjected to further curation. The score for this variant resulted in a classification of benign for this disease.

Illumina Laboratory Services, Illumina
Classification: Benign for Autosomal recessive limb-girdle muscular dystrophy type 2J. Last evaluated: 2018-01-13. Review status: criteria provided, single submitter. Criteria: ICSL Variant Classification Criteria 13 December 2019. Collection method: clinical testing. Allele origin: germline.
Comment: the same text as in the submission from Illumina Laboratory Services, Illumina above.

Illumina Laboratory Services, Illumina
Classification: Benign for Tibial muscular dystrophy. Last evaluated: 2018-01-13. Review status: criteria provided, single submitter. Criteria: ICSL Variant Classification Criteria 13 December 2019. Collection method: clinical testing. Allele origin: germline.
Comment: the same text as in the submission from Illumina Laboratory Services, Illumina above.

Illumina Laboratory Services, Illumina
Classification: Benign for Myopathy, myofibrillar, 9, with early respiratory failure. Last evaluated: 2018-01-13. Review status: criteria provided, single submitter. Criteria: ICSL Variant Classification Criteria 13 December 2019. Collection method: clinical testing. Allele origin: germline.
Comment: the same text as in the submission from Illumina Laboratory Services, Illumina above.

Illumina Laboratory Services, Illumina
Classification: Benign for Early-onset myopathy with fatal cardiomyopathy. Last evaluated: 2018-01-13. Review status: criteria provided, single submitter. Criteria: ICSL Variant Classification Criteria 13 December 2019. Collection method: clinical testing. Allele origin: germline.
Comment: the same text as in the submission from Illumina Laboratory Services, Illumina above.

Mayo Clinic Laboratories, Mayo Clinic
Classification: Benign. Last evaluated: 2017-10-04. Review status: criteria provided, single submitter. Criteria: ACMG Guidelines, 2015. Collection method: clinical testing. Allele origin: germline. Observed: 158 variant alleles.

Genetic Services Laboratory, University of Chicago
Classification: Benign for AllHighlyPenetrant. Last evaluated: 2013-08-15. Review status: criteria provided, single submitter. Criteria: ACMG Guidelines, 2007. Collection method: clinical testing. Allele origin: germline.

Biesecker Lab/Clinical Genomics Section, National Institutes of Health
Classification: Benign. Last evaluated: 2013-06-24. Review status: criteria provided, single submitter. Criteria: Ng et al. (Circ Cardiovasc Genet. 2013). Collection method: research. Allele origin: unknown. Observed: 31 variant alleles. Study: ClinSeq.
Comment: The study set was not selected for affection status in relation to any cancer. Pathogenicity categories were based on literature curation. See Pubmed ID:23861362 for details.

Medical sequencing

Ambry Genetics
Classification: Benign for Cardiovascular phenotype. Last evaluated: 2013-01-16. Review status: criteria provided, single submitter. Criteria: Ambry Autosomal Dominant and X-Linked criteria (10/2015). Collection method: clinical testing. Allele origin: germline. Observed: 1 variant allele.

GeneDx
Classification: Benign. Last evaluated: 2012-10-31. Review status: criteria provided, single submitter. Criteria: GeneDx Variant Classification (06012015). Collection method: clinical testing. Allele origin: germline. Affected: yes.
Comment: This variant is considered likely benign or benign based on one or more of the following criteria: it is a conservative change, it occurs at a poorly conserved position in the protein, it is predicted to be benign by multiple in silico algorithms, and/or has population frequency not consistent with disease.

Laboratory for Molecular Medicine, Mass General Brigham Personalized Medicine
Classification: Benign. Last evaluated: 2012-05-22. Review status: criteria provided, single submitter. Criteria: LMM Criteria. Collection method: clinical testing. Allele origin: germline. Observed: 100 variant alleles.

Breakthrough Genomics
Classification: Likely benign. Review status: criteria provided, single submitter. Criteria: ACMG Guidelines, 2015. Collection method: not provided. Allele origin: germline. Inheritance: Autosomal recessive inheritance. Affected: yes.

PreventionGenetics, part of Exact Sciences
Classification: Benign. Review status: criteria provided, single submitter. Criteria: ACMG Guidelines, 2015. Collection method: clinical testing. Allele origin: germline.

Clinical Genetics, Academic Medical Center
Classification: Benign. Review status: no assertion criteria provided. Collection method: clinical testing. Allele origin: germline. Affected: yes. Study: VKGL Data-share Consensus. Not counted in ClinVar's aggregate classification.

Laboratory of Diagnostic Genome Analysis, Leiden University Medical Center (LUMC)
Classification: Likely benign. Review status: no assertion criteria provided. Collection method: clinical testing. Allele origin: germline. Affected: yes. Study: VKGL Data-share Consensus. Not counted in ClinVar's aggregate classification.

NM_001267550.2(TTN):c.100579G>A (p.Val33527Ile)

Genes: TTN (titin; minus strand), TTN-AS1 (TTN antisense RNA 1; plus strand). Cytogenetic location: 2q31.2.
Variant type: single nucleotide variant.
Coding change: c.100579G>A on transcript NM_001267550.2 (MANE Select); coding-DNA position 100579, G replaced by A.
Protein change: p.Val33527Ile; replaces valine 33527 with isoleucine.
Molecular consequence: missense variant.
Genome position (GRCh38, 1-based): chr2:178,536,168, C>T on the plus strand (G>A on the coding strand, the complement: TTN is on the minus strand). VCF-style: chr2-178536168-C-T. GRCh37 (hg19) VCF-style: chr2-179400895-C-T.
Other names: p.V30959I:GTC>ATC; c.95656G>A, p.Val31886Ile (NM_001256850.1); c.73384G>A, p.Val24462Ile (NM_003319.4); c.92875G>A, p.Val30959Ile (NM_133378.4); c.73759G>A, p.Val24587Ile (NM_133432.3); c.73960G>A, p.Val24654Ile (NM_133437.4); short protein forms V33527I, V30959I, V31886I, V24587I, V24462I, V24654I.
Identifiers: ClinVar variation 47629 (VCV000047629.35), dbSNP rs2278196, ClinGen allele CA284227.